The following is an entry in ClinVar:

ClinVar aggregate classification (germline): Uncertain significance. Review status: criteria provided, multiple submitters, no conflicts (2 of 4 stars). 2 submissions from 2 submitters: Uncertain significance (2). Last evaluated 2022-05-28.

Conditions:
Hermansky-Pudlak syndrome 2 (HPS2). Also called: Platelet defects and oculocutaneous albinism. Identifiers: Orphanet 183678, Orphanet 79430, MedGen C1842362, MONDO:0011997, OMIM 608233.

Allele frequency attached by ClinVar (database versions not stated): ExAC 0.00001; gnomAD exomes 0.00001; gnomAD 0.00003.
gnomAD v4.1: 11 of 1,612,964 alleles (0.00068%); highest among the groups gnomAD compares: Non-Finnish European, 0.00093%; no homozygotes.

Submissions (2):

Labcorp Genetics (formerly Invitae), Labcorp
Classification: Uncertain significance for Hermansky-Pudlak syndrome 2. Last evaluated: 2022-05-28. Review status: criteria provided, single submitter. Criteria: Invitae Variant Classification Sherloc (09022015). Collection method: clinical testing. Allele origin: germline.
Comment: In summary, the available evidence is currently insufficient to determine the role of this variant in disease. Therefore, it has been classified as a Variant of Uncertain Significance. Algorithms developed to predict the effect of missense changes on protein structure and function are either unavailable or do not agree on the potential impact of this missense change (SIFT: "Tolerated"; PolyPhen-2: "Probably Damaging"; Align-GVGD: "Class C0"). This variant has not been reported in the literature in individuals affected with AP3B1-related conditions. This variant is present in population databases (rs745655716, gnomAD 0.005%). This sequence change replaces threonine, which is neutral and polar, with asparagine, which is neutral and polar, at codon 411 of the AP3B1 protein (p.Thr411Asn).

Revvity Omics, Revvity
Classification: Uncertain significance for Hermansky-Pudlak syndrome 2. Last evaluated: 2020-04-09. Review status: criteria provided, single submitter. Criteria: ACMG Guidelines, 2015. Collection method: clinical testing. Allele origin: germline.

NM_003664.5(AP3B1):c.1232C>A (p.Thr411Asn)

Gene: AP3B1 (adaptor related protein complex 3 subunit beta 1; minus strand). Cytogenetic location: 5q14.1.
Variant type: single nucleotide variant.
Coding change: c.1232C>A on transcript NM_003664.5 (MANE Select); coding-DNA position 1232, C replaced by A.
Protein change: p.Thr411Asn; replaces threonine 411 with asparagine.
Molecular consequence: missense variant.
Genome position (GRCh38, 1-based): chr5:78,162,950, G>T on the plus strand (C>A on the coding strand, the complement: AP3B1 is on the minus strand). VCF-style: chr5-78162950-G-T. GRCh37 (hg19) VCF-style: chr5-77458774-G-T.
Other names: c.1085C>A, p.Thr362Asn (NM_001271769.2); c.1232C>A, p.Thr411Asn (NM_001410752.1); short protein forms T411N, T362N.
Identifiers: ClinVar variation 2000021 (VCV002000021.6), dbSNP rs745655716, ClinGen allele CA3317115.